The following is an entry in ClinVar:

ClinVar aggregate classification (germline): Pathogenic (1 of 4 stars; one submission).

Submission:

Labcorp Genetics (formerly Invitae), Labcorp
Classification: Pathogenic. Last evaluated: 2024-05-16. Review status: criteria provided, single submitter. Criteria: Invitae Variant Classification Sherloc (09022015). Collection method: clinical testing. Allele origin: germline.
Comment: This sequence change creates a premature translational stop signal (p.Asp70Tyrfs*13) in the BEST1 gene. It is expected to result in an absent or disrupted protein product. Loss-of-function variants in BEST1 are known to be pathogenic (PMID: 21825197). This variant is not present in population databases (gnomAD no frequency). This variant has not been reported in the literature in individuals affected with BEST1-related conditions. For these reasons, this variant has been classified as Pathogenic.

Literature cited by the submitters: PubMed 21825197.

NM_004183.4(BEST1):c.207_208insTACATCCAGCTCATCCCCATTTCAGCTACATCCCCAT (p.Asp70delinsTyrIleGlnLeuIleProIleSerAlaThrSerProTer)

Gene: BEST1 (bestrophin 1; plus strand). Cytogenetic location: 11q12.3.
Variant type: Insertion.
Coding change: c.207_208insTACATCCAGCTCATCCCCATTTCAGCTACATCCCCAT on transcript NM_004183.4 (MANE Select); coding-DNA positions 207 to 208, TACATCCAGCTCATCCCCATTTCAGCTACATCCCCAT inserted.
Protein change: p.Asp70delinsTyrIleGlnLeuIleProIleSerAlaThrSerProTer.
Molecular consequence: nonsense. On other transcripts: frameshift variant (2), non-coding transcript variant (1).
Genome position: GRCh38: chr11:61,955,161-61,955,162. GRCh37 (hg19): chr11:61,722,633-61,722,634.
Other names: c.27_28insTACATCCAGCTCATCCCCATTTCAGCTACATCCCCAT, p.Asp10Tyrfs (NM_001139443.3); c.27_28insTACATCCAGCTCATCCCCATTTCAGCTACATCCCCAT, p.Asp10delinsTyrIleGlnLeuIleProIleSerAlaThrSerProTer (NM_001300786.2, NM_001300787.2); c.207_208insTACATCCAGCTCATCCCCATTTCAGCTACATCCCCAT, p.Asp70Tyrfs (NM_001363592.2).
Identifiers: ClinVar variation 3653634 (VCV003653634.2).
Genomic context (GRCh38, chr11:61,955,161, plus strand): 5'-CCCCAGGCTGGCCCTCACGGAAGAACAACAGCTGATGTTTGAGAAACTGACTCTGTATTG[C>CTACATCCAGCTCATCCCCATTTCAGCTACATCCCCAT]GACAGCTACATCCAGCTCATCCCCATTTCCTTCGTGCTGGGTGAGTTCCCCCTTCTGGCT-3'